The following is an entry in ClinVar:

NC_000001.10:g.(?_3102669)_(3350375_?)dup

Gene: PRDM16 (PR/SET domain 16; plus strand). Cytogenetic location: 1p36.32.
Variant type: Duplication.
Identifiers: ClinVar variation 2426719 (VCV002426719.4).

ClinVar aggregate classification (germline): Uncertain significance (1 of 4 stars; one submission).

Conditions:
Left ventricular noncompaction 8 (LVNC8). Identifiers: Orphanet 154, Orphanet 54260, MedGen C3809288, MONDO:0014152, OMIM 615373.

Submission:

Labcorp Genetics (formerly Invitae), Labcorp
Classification: Uncertain significance for Left ventricular noncompaction 8. Last evaluated: 2024-01-26. Review status: criteria provided, single submitter. Criteria: Invitae Variant Classification Sherloc (09022015). Collection method: clinical testing. Allele origin: germline.
Comment: This variant results in a copy number gain of the genomic region encompassing exon(s) 2-17 of the PRDM16 gene. This region includes the termination codon of the gene. This copy number gain extends beyond the assayed region for this gene and therefore may encompass additional genes. As the precise location of this event is unknown, it may be in tandem or it may be located elsewhere in the genome. This variant has not been reported in the literature in individuals affected with PRDM16-related conditions. In summary, the available evidence is currently insufficient to determine the role of this variant in disease. Therefore, it has been classified as a Variant of Uncertain Significance.